The following is an entry in ClinVar:

ClinVar aggregate classification (germline): Uncertain significance (1 of 4 stars; one submission).

Conditions:
DOCK2 deficiency. Also called: Immunodeficiency 40. Identifiers: Orphanet 447737, MedGen C4225328, MONDO:0014637, OMIM 616433.

Allele frequency attached by ClinVar (database versions not stated): ExAC 0.00001; gnomAD 0.00001; gnomAD exomes 0.00001; TOPMed 0.00001; ESP Exome Variant Server 0.00008.

Submission:

Labcorp Genetics (formerly Invitae), Labcorp
Classification: Uncertain significance for DOCK2 deficiency. Last evaluated: 2022-01-17. Review status: criteria provided, single submitter. Criteria: Invitae Variant Classification Sherloc (09022015). Collection method: clinical testing. Allele origin: germline.
Comment: This sequence change replaces methionine, which is neutral and non-polar, with isoleucine, which is neutral and non-polar, at codon 1095 of the DOCK2 protein (p.Met1095Ile). This variant is not present in population databases (gnomAD no frequency). This variant has not been reported in the literature in individuals affected with DOCK2-related conditions. Algorithms developed to predict the effect of missense changes on protein structure and function (SIFT, PolyPhen-2, Align-GVGD) all suggest that this variant is likely to be tolerated. In summary, the available evidence is currently insufficient to determine the role of this variant in disease. Therefore, it has been classified as a Variant of Uncertain Significance.

NM_004946.3(DOCK2):c.3285G>A (p.Met1095Ile)

Gene: DOCK2 (dedicator of cytokinesis 2; plus strand). Cytogenetic location: 5q35.1.
Variant type: single nucleotide variant.
Coding change: c.3285G>A on transcript NM_004946.3 (MANE Select); coding-DNA position 3285, G replaced by A.
Protein change: p.Met1095Ile; replaces methionine 1095 with isoleucine.
Molecular consequence: missense variant. On other transcripts: non-coding transcript variant (1).
Genome position (GRCh38, 1-based): chr5:170,019,012, G>A. VCF-style: chr5-170019012-G-A. GRCh37 (hg19) VCF-style: chr5-169446016-G-A.
Other names: short protein forms M1095I.
Identifiers: ClinVar variation 1949440 (VCV001949440.2), dbSNP rs138927937, ClinGen allele CA3554170.